The following is an entry in ClinVar:

NM_001605.3(AARS1):c.2521-10T>C

Gene: AARS1 (alanyl-tRNA synthetase 1; minus strand). Cytogenetic location: 16q22.1.
Variant type: single nucleotide variant.
Coding change: c.2521-10T>C on transcript NM_001605.3 (MANE Select); 10 bases into the intron before coding-DNA position 2521, T replaced by C.
Molecular consequence: intron variant.
Genome position (GRCh38, 1-based): chr16:70,253,810, A>G on the plus strand (T>C on the coding strand, the complement: AARS1 is on the minus strand). VCF-style: chr16-70253810-A-G. GRCh37 (hg19) VCF-style: chr16-70287713-A-G.
Identifiers: ClinVar variation 386600 (VCV000386600.14), dbSNP rs199521984, ClinGen allele CA8140374.
Genomic context (GRCh38, chr16:70,253,810, plus strand): 5'-AAGAGGCTGGTTGGGGTTGCTGTCGATGAACTGCTTCGTCTTCTCTAACACCTGCAAGAA[A>G]AAAGTCCAGAACAGCAGCTCAGACCAAAAGCCCAGGCCCCGAACCCCTGGCTGTTCTGCC-3'

ClinVar aggregate classification (germline): Likely benign. Review status: criteria provided, multiple submitters, no conflicts (2 of 4 stars). 3 submissions from 3 submitters: Likely benign (3). Last evaluated 2026-04-16.

Conditions:
AARS1-related disorder. Also called: AARS1-related condition.
Charcot-Marie-Tooth disease type 2. Also called: Charcot-Marie-Tooth type 2. Identifiers: Orphanet 64746, MedGen C0270914, MONDO:0018993.

Allele frequency attached by ClinVar (database versions not stated): gnomAD exomes 0.00001; gnomAD 0.00015 and 0.00016; TOPMed 0.00034; 1000 Genomes Project 0.00040; 1000 Genomes Project 30x 0.00047.
gnomAD v4.1: 36 of 1,614,206 alleles (0.0022%); highest among the groups gnomAD compares: Admixed American, 0.045%; no homozygotes.

Submissions (3):

PreventionGenetics, part of Exact Sciences
Classification: Likely benign for AARS1-related condition. Last evaluated: 2026-04-16. Review status: criteria provided, single submitter. Criteria: ACMG Guidelines, 2015. Collection method: clinical testing. Allele origin: germline.
Comment: This variant is classified as likely benign based on ACMG/AMP sequence variant interpretation guidelines (Richards et al. 2015 PMID: 25741868, with internal and published modifications).

Labcorp Genetics (formerly Invitae), Labcorp
Classification: Likely benign for Charcot-Marie-Tooth disease type 2. Last evaluated: 2025-11-13. Review status: criteria provided, single submitter. Criteria: Invitae Variant Classification Sherloc (09022015). Collection method: clinical testing. Allele origin: germline.

GeneDx
Classification: Likely benign. Last evaluated: 2020-09-22. Review status: criteria provided, single submitter. Criteria: GeneDx Variant Classification Process June 2021. Collection method: clinical testing. Allele origin: germline. Affected: yes.